The following is an entry in ClinVar:

ClinVar aggregate classification (germline): Pathogenic. Review status: criteria provided, multiple submitters, no conflicts (2 of 4 stars). 2 submissions from 2 submitters: Pathogenic (2). Last evaluated 2022-11-22.

Conditions:
Hereditary spastic paraplegia. Also called: Familial spastic paraparesis. Identifiers: Orphanet 685, MedGen C0037773, MONDO:0019064. Disease mechanism: loss of function.
Hereditary spastic paraplegia 31. Also called: SPASTIC PARAPLEGIA 31, AUTOSOMAL DOMINANT. Identifiers: Orphanet 101011, MedGen C1853247, MONDO:0012453, OMIM 610250.

Submissions (2):

Labcorp Genetics (formerly Invitae), Labcorp
Classification: Pathogenic for Hereditary spastic paraplegia 31. Last evaluated: 2022-11-22. Review status: criteria provided, single submitter. Criteria: Invitae Variant Classification Sherloc (09022015). Collection method: clinical testing. Allele origin: germline.
Comment: For these reasons, this variant has been classified as Pathogenic. Algorithms developed to predict the effect of sequence changes on RNA splicing suggest that this variant may disrupt the consensus splice site. ClinVar contains an entry for this variant (Variation ID: 1073769). Disruption of this splice site has been observed in individuals with hereditary spastic paraplegia (PMID: 18321925, 19072839). This variant is not present in population databases (gnomAD no frequency). This sequence change affects a donor splice site in intron 5 of the REEP1 gene. It is expected to disrupt RNA splicing. Variants that disrupt the donor or acceptor splice site typically lead to a loss of protein function (PMID: 16199547), and loss-of-function variants in REEP1 are known to be pathogenic (PMID: 18321925, 18644145, 22703882).

Genome Diagnostics Laboratory, The Hospital for Sick Children
Classification: Pathogenic for Hereditary spastic paraplegia. Last evaluated: 2016-12-12. Review status: criteria provided, single submitter. Criteria: ACMG Guidelines, 2015. Collection method: clinical testing. Allele origin: germline. Affected: yes.

Literature cited by the submitters: PubMed 18321925 (cited by Labcorp Genetics (formerly Invitae), Labcorp); PubMed 19072839 (cited by Labcorp Genetics (formerly Invitae), Labcorp); PubMed 16199547 (cited by Labcorp Genetics (formerly Invitae), Labcorp); PubMed 18644145 (cited by Labcorp Genetics (formerly Invitae), Labcorp); PubMed 22703882 (cited by Labcorp Genetics (formerly Invitae), Labcorp).

NM_001371279.1(REEP1):c.417+1G>A

Gene: REEP1 (receptor accessory protein 1; minus strand). Cytogenetic location: 2p11.2.
Variant type: single nucleotide variant.
Coding change: c.417+1G>A on transcript NM_001371279.1 (MANE Select); the canonical splice donor site of the intron after coding-DNA position 417, G replaced by A.
Molecular consequence: splice donor variant. On other transcripts: intron variant (1).
Genome position (GRCh38, 1-based): chr2:86,251,956, C>T on the plus strand (G>A on the coding strand, the complement: REEP1 is on the minus strand). VCF-style: chr2-86251956-C-T. GRCh37 (hg19) VCF-style: chr2-86479079-C-T.
Other names: c.438+1G>A (NM_001164730.2); c.336+1G>A (NM_001164731.2); c.182+12009G>A (NM_001164732.2); c.417+1G>A (NM_001371280.1, NM_022912.3, NM_001410855.1 and 1 more transcripts).
Identifiers: ClinVar variation 1073769 (VCV001073769.12), dbSNP rs2104223296, ClinGen allele CA347715721.